The following is an entry in ClinVar:

ClinVar aggregate classification (germline): Uncertain significance (1 of 4 stars; one submission).

Conditions:
Hereditary sensory and autonomic neuropathy type 6. Also called: HSAN VI; Neuropathy, hereditary sensory and autonomic, type VI. Identifiers: Orphanet 314381, MedGen C3539003, MONDO:0013839, OMIM 614653.
Epidermolysis bullosa simplex 3, localized or generalized intermediate, with BP230 deficiency (EBS3). Also called: Epidermolysis bullosa simplex, autosomal recessive 2; Epidermolysis bullosa simplex due to BP230 deficiency. Identifiers: Orphanet 412181, MedGen C3809470, MONDO:0014180, OMIM 615425.

Allele frequency attached by ClinVar (database versions not stated): gnomAD exomes 0.00001; ExAC 0.00002.
gnomAD v4.1: 8 of 1,603,606 alleles (0.0005%); highest among the groups gnomAD compares: East Asian, 0.016%; no homozygotes.

Submission:

Labcorp Genetics (formerly Invitae), Labcorp
Classification: Uncertain significance for Epidermolysis bullosa simplex 3, localized or generalized intermediate, with BP230 deficiency; Hereditary sensory and autonomic neuropathy type 6. Last evaluated: 2021-12-13. Review status: criteria provided, single submitter. Criteria: Invitae Variant Classification Sherloc (09022015). Collection method: clinical testing. Allele origin: germline.
Comment: The DST gene has multiple clinically relevant transcripts. This variant occurs in alternate transcript NM_015548.4, and corresponds to NM_001723.5:c.*47033G>A in the primary transcript. This sequence change replaces alanine, which is neutral and non-polar, with threonine, which is neutral and polar, at codon 2041 of the DST protein (p.Ala2041Thr). This variant is present in population databases (rs758278474, gnomAD 0.006%). This variant has not been reported in the literature in individuals affected with DST-related conditions. Experimental studies and prediction algorithms are not available or were not evaluated, and the functional significance of this variant is currently unknown. In summary, the available evidence is currently insufficient to determine the role of this variant in disease. Therefore, it has been classified as a Variant of Uncertain Significance.

NM_001374736.1(DST):c.13990G>A (p.Ala4664Thr)

Gene: DST (dystonin; minus strand). Cytogenetic location: 6p12.1.
Variant type: single nucleotide variant.
Coding change: c.13990G>A on transcript NM_001374736.1 (MANE Select); coding-DNA position 13990, G replaced by A.
Protein change: p.Ala4664Thr; replaces alanine 4664 with threonine.
Molecular consequence: missense variant.
Genome position (GRCh38, 1-based): chr6:56,568,484, C>T on the plus strand (G>A on the coding strand, the complement: DST is on the minus strand). VCF-style: chr6-56568484-C-T. GRCh37 (hg19) VCF-style: chr6-56433282-C-T.
Other names: c.7633G>A, p.Ala2545Thr (NM_001144769.5); c.7219G>A, p.Ala2407Thr (NM_001144770.2); c.13990G>A, p.Ala4664Thr (NM_001374722.1); c.13357G>A, p.Ala4453Thr (NM_001374729.1); c.7099G>A, p.Ala2367Thr (NM_001374730.1, NM_001386100.1, NM_183380.4); c.14017G>A, p.Ala4673Thr (NM_001374734.1); c.6121G>A, p.Ala2041Thr (NM_015548.5); short protein forms A2367T, A4453T, A4673T, A2407T, A2545T, A4664T, A2041T.
Identifiers: ClinVar variation 1899605 (VCV001899605.2), dbSNP rs758278474, ClinGen allele CA3868131.